The following is an entry in ClinVar:

NM_000384.3(APOB):c.5162T>C (p.Val1721Ala)

Gene: APOB (apolipoprotein B; minus strand). Cytogenetic location: 2p24.1.
Variant type: single nucleotide variant.
Coding change: c.5162T>C on transcript NM_000384.3 (MANE Select); coding-DNA position 5162, T replaced by C.
Protein change: p.Val1721Ala; replaces valine 1721 with alanine.
Molecular consequence: missense variant.
Genome position (GRCh38, 1-based): chr2:21,011,706, A>G on the plus strand (T>C on the coding strand, the complement: APOB is on the minus strand). VCF-style: chr2-21011706-A-G. GRCh37 (hg19) VCF-style: chr2-21234578-A-G.
Other names: short protein forms V1721A.
Identifiers: ClinVar variation 3231422 (VCV003231422.1), dbSNP rs1221823207, ClinGen allele CA346005344.

ClinVar aggregate classification (germline): Uncertain significance (1 of 4 stars; one submission).

Conditions:
Cardiovascular phenotype. Identifiers: MedGen CN230736.

Allele frequency attached by ClinVar (database versions not stated): gnomAD exomes below 0.00001; TOPMed below 0.00001 and 0.00001; gnomAD 0.00001.
gnomAD v4.1: 2 of 1,613,984 alleles (0.00012%); highest among the groups gnomAD compares: Non-Finnish European, 0.00017%; no homozygotes.

Submission:

Ambry Genetics
Classification: Uncertain significance for Cardiovascular phenotype. Last evaluated: 2022-12-18. Review status: criteria provided, single submitter. Criteria: Ambry Variant Classification Scheme 2023. Collection method: clinical testing. Allele origin: germline.
Comment: The p.V1721A variant (also known as c.5162T>C), located in coding exon 26 of the APOB gene, results from a T to C substitution at nucleotide position 5162. The valine at codon 1721 is replaced by alanine, an amino acid with similar properties. This amino acid position is conserved. In addition, this alteration is predicted to be tolerated by in silico analysis. Since supporting evidence is limited at this time, the clinical significance of this alteration remains unclear.